The following is an entry in ClinVar:

NM_000263.4(NAGLU):c.2123_2205del (p.Phe708fs)

Gene: NAGLU (N-acetyl-alpha-glucosaminidase; plus strand). Cytogenetic location: 17q21.2.
Variant type: Deletion.
Coding change: c.2123_2205del on transcript NM_000263.4 (MANE Select); coding-DNA positions 2123 to 2205, 83 bases deleted.
Protein change: p.Phe708fs; shifts the reading frame from phenylalanine 708.
Molecular consequence: frameshift variant.
Genome position (GRCh38, 1-based): chr17:42,544,129-42,544,211, 83 bases deleted. GRCh37 (hg19): chr17:40,696,147-40,696,229.
Other names: short protein forms F708fs.
Identifiers: ClinVar variation 2585609 (VCV002585609.1), dbSNP rs2510661047, ClinGen allele CA2582342170.

ClinVar aggregate classification (germline): Uncertain significance (1 of 4 stars; one submission).

Conditions:
Mucopolysaccharidosis, MPS-III-B (MPS3B). Also called: N-ACETYL-ALPHA-D-GLUCOSAMINIDASE DEFICIENCY; NAGLU DEFICIENCY; SANFILIPPO SYNDROME B; MPS III B; Mucopolysaccharidosis type IIIB (Sanfilippo B); MUCOPOLYSACCHARIDOSIS, TYPE IIIB. Identifiers: Orphanet 79270, MedGen C0086648, MONDO:0009656, OMIM 252920.

Submission:

Neuberg Centre For Genomic Medicine, NCGM
Classification: Uncertain significance for Mucopolysaccharidosis, MPS-III-B. Review status: criteria provided, single submitter. Criteria: ACMG Guidelines, 2015. Collection method: clinical testing. Allele origin: germline. Inheritance: Autosomal recessive inheritance. Affected: yes.
Comment: The frameshift variant c.2123_2205del (p.Phe708SerfsTer21) has not been reported previously as a pathogenic variant nor as a benign variant, to our knowledge. The variant is novel (not in any individuals) in gnomAD Exomes and 1000 Genomes databases. Loss of function variants have been previously reported to be disease causing. However since this variant is present in the last exon functional studies will be required to prove protein truncation. Hence the variant is classified as Uncertain Significance.